The following is an entry in ClinVar:

ClinVar aggregate classification (germline): Uncertain significance. Review status: criteria provided, multiple submitters, no conflicts (2 of 4 stars). 2 submissions from 2 submitters: Uncertain significance (2). Last evaluated 2021-10-12.

Conditions:
Autoinflammatory syndrome. Identifiers: Orphanet 93665, MedGen C3890737, MONDO:0019751.
Generalized pustular psoriasis. Identifiers: Orphanet 247353, MedGen C0343055, MONDO:0100491.

Allele frequency attached by ClinVar (database versions not stated): gnomAD exomes below 0.00001 and 0.00001; TOPMed below 0.00001; gnomAD 0.00001; ExAC 0.00002; ESP Exome Variant Server 0.00008.
gnomAD v4.1: 2 of 1,613,988 alleles (0.00012%); highest among the groups gnomAD compares: Non-Finnish European, 0.00017%; no homozygotes.

Submissions (2):

Labcorp Genetics (formerly Invitae), Labcorp
Classification: Uncertain significance for Generalized pustular psoriasis. Last evaluated: 2021-10-12. Review status: criteria provided, single submitter. Criteria: Invitae Variant Classification Sherloc (09022015). Collection method: clinical testing. Allele origin: germline.
Comment: In summary, the available evidence is currently insufficient to determine the role of this variant in disease. Therefore, it has been classified as a Variant of Uncertain Significance. Algorithms developed to predict the effect of missense changes on protein structure and function (SIFT, PolyPhen-2, Align-GVGD) all suggest that this variant is likely to be disruptive. This variant has not been reported in the literature in individuals affected with IL36RN-related conditions. This variant is present in population databases (rs144420774, ExAC 0.003%). This sequence change replaces glycine with alanine at codon 106 of the IL36RN protein (p.Gly106Ala). The glycine residue is highly conserved and there is a small physicochemical difference between glycine and alanine.

Genome Diagnostics Laboratory, The Hospital for Sick Children
Classification: Uncertain significance for Autoinflammatory syndrome. Last evaluated: 2016-12-12. Review status: criteria provided, single submitter. Criteria: ACMG Guidelines, 2015. Collection method: clinical testing. Allele origin: germline. Affected: yes.

NM_012275.3(IL36RN):c.317G>C (p.Gly106Ala)

Gene: IL36RN (interleukin 36 receptor antagonist; plus strand). Cytogenetic location: 2q14.1.
Variant type: single nucleotide variant.
Coding change: c.317G>C on transcript NM_012275.3 (MANE Select); coding-DNA position 317, G replaced by C.
Protein change: p.Gly106Ala; replaces glycine 106 with alanine.
Molecular consequence: missense variant.
Genome position (GRCh38, 1-based): chr2:113,062,526, G>C. VCF-style: chr2-113062526-G-C. GRCh37 (hg19) VCF-style: chr2-113820103-G-C.
Other names: c.317G>C, p.Gly106Ala (NM_173170.1); short protein forms G106A.
Identifiers: ClinVar variation 1384309 (VCV001384309.9), dbSNP rs144420774, ClinGen allele CA1838438.